The following is an entry in ClinVar:

ClinVar aggregate classification (germline): Benign. Review status: criteria provided, multiple submitters, no conflicts (2 of 4 stars). 2 submissions from 2 submitters: Benign (2). Last evaluated 2018-06-14.

Allele frequency attached by ClinVar (database versions not stated): TOPMed 0.43650; gnomAD 0.44434 and 0.44704; 1000 Genomes Project 30x 0.46752; 1000 Genomes Project 0.47005.
gnomAD v4.1: 489,254 of 1,089,618 alleles (45%); highest among the groups gnomAD compares: South Asian, 58%; 112,934 homozygotes.

Submissions (2):

GeneDx
Classification: Benign. Last evaluated: 2018-06-14. Review status: criteria provided, single submitter. Criteria: GeneDx Variant Classification (06012015). Collection method: clinical testing. Allele origin: germline. Affected: yes.
Comment: This variant is considered likely benign or benign based on one or more of the following criteria: it is a conservative change, it occurs at a poorly conserved position in the protein, it is predicted to be benign by multiple in silico algorithms, and/or has population frequency not consistent with disease.

Breakthrough Genomics
Classification: Benign. Review status: criteria provided, single submitter. Criteria: ACMG Guidelines, 2015. Collection method: not provided. Allele origin: germline. Inheritance: Autosomal recessive inheritance. Affected: yes.

NM_153717.3(EVC):c.1316-139G>C

Gene: EVC (EvC ciliary complex subunit 1; plus strand). Cytogenetic location: 4p16.2.
Variant type: single nucleotide variant.
Coding change: c.1316-139G>C on transcript NM_153717.3 (MANE Select); 139 bases into the intron before coding-DNA position 1316, G replaced by C.
Molecular consequence: intron variant.
Genome position (GRCh38, 1-based): chr4:5,753,646, G>C. VCF-style: chr4-5753646-G-C. GRCh37 (hg19) VCF-style: chr4-5755373-G-C.
Other names: c.1316-139G>C (NM_001306090.2, NM_001306092.2).
Identifiers: ClinVar variation 669950 (VCV000669950.2), dbSNP rs7660793, ClinGen allele CA11634272.